The following is an entry in ClinVar:

NM_000481.4(AMT):c.175G>A (p.Val59Met)

Gene: AMT (aminomethyltransferase; minus strand). Cytogenetic location: 3p21.31.
Variant type: single nucleotide variant.
Coding change: c.175G>A on transcript NM_000481.4 (MANE Select); coding-DNA position 175, G replaced by A.
Protein change: p.Val59Met; replaces valine 59 with methionine.
Molecular consequence: missense variant. On other transcripts: non-coding transcript variant (1), intron variant (1).
Genome position (GRCh38, 1-based): chr3:49,422,187, C>T on the plus strand (G>A on the coding strand, the complement: AMT is on the minus strand). VCF-style: chr3-49422187-C-T. GRCh37 (hg19) VCF-style: chr3-49459620-C-T.
Other names: c.175G>A, p.Val59Met (NM_001164710.2, NM_001164712.2); c.90+174G>A (NM_001164711.2); short protein forms V59M.
Identifiers: ClinVar variation 2126778 (VCV002126778.2), dbSNP rs201643709, ClinGen allele CA2398458.
Genomic context (GRCh38, chr3:49,422,187, plus strand): 5'-AGAGCGAGCAGTGCTGGCGTGTGTGCAGGTGCGAGTCAGTGTGACTGTCCCGGTACTGCA[C>T]TGGCAGACTCCAACCCGCAAACGCCACCATTTTCCCGCCGTGGGCCAGGTGGAAGTCATA-3'
Protein context (NP_000472.2, residues 49-69): MVAFAGWSLP[Val59Met]QYRDSHTDSH

ClinVar aggregate classification (germline): Uncertain significance (1 of 4 stars; one submission).

Conditions:
Glycine encephalopathy. Also called: Non-ketotic hyperglycinemia; Nonketotic hyperglycinemia. Identifiers: Orphanet 407, MedGen C0751748, MONDO:0011612, HP:0008288.

Allele frequency attached by ClinVar (database versions not stated): TOPMed below 0.00001; ExAC 0.00001; gnomAD 0.00001; 1000 Genomes Project 0.00020; 1000 Genomes Project 30x 0.00031.
gnomAD v4.1: 2 of 1,614,022 alleles (0.00012%); highest among the groups gnomAD compares: East Asian, 0.0022%; no homozygotes.

Submission:

Labcorp Genetics (formerly Invitae), Labcorp
Classification: Uncertain significance for Glycine encephalopathy. Last evaluated: 2024-01-02. Review status: criteria provided, single submitter. Criteria: Invitae Variant Classification Sherloc (09022015). Collection method: clinical testing. Allele origin: germline.
Comment: This sequence change replaces valine, which is neutral and non-polar, with methionine, which is neutral and non-polar, at codon 59 of the AMT protein (p.Val59Met). This variant is present in population databases (rs201643709, gnomAD 0.003%). This variant has not been reported in the literature in individuals affected with AMT-related conditions. ClinVar contains an entry for this variant (Variation ID: 2126778). Advanced modeling of protein sequence and biophysical properties (such as structural, functional, and spatial information, amino acid conservation, physicochemical variation, residue mobility, and thermodynamic stability) has been performed at Invitae for this missense variant, however the output from this modeling did not meet the statistical confidence thresholds required to predict the impact of this variant on AMT protein function. In summary, the available evidence is currently insufficient to determine the role of this variant in disease. Therefore, it has been classified as a Variant of Uncertain Significance.